The following is an entry in ClinVar:

NM_182914.3(SYNE2):c.3739C>A (p.Gln1247Lys)

Gene: SYNE2 (spectrin repeat containing nuclear envelope protein 2; plus strand). Cytogenetic location: 14q23.2.
Variant type: single nucleotide variant.
Coding change: c.3739C>A on transcript NM_182914.3 (MANE Select); coding-DNA position 3739, C replaced by A.
Protein change: p.Gln1247Lys; replaces glutamine 1247 with lysine.
Molecular consequence: missense variant.
Genome position (GRCh38, 1-based): chr14:64,002,034, C>A. VCF-style: chr14-64002034-C-A. GRCh37 (hg19) VCF-style: chr14-64468752-C-A.
Other names: c.3739C>A, p.Gln1247Lys (NM_015180.6); short protein forms Q1247K.
Identifiers: ClinVar variation 645468 (VCV000645468.8), dbSNP rs1594783691, ClinGen allele CA389994398.
Genomic context (GRCh38, chr14:64,002,034, plus strand): 5'-GTAGAGAAGGCATCACTTCTTCTCTGTGGCTCGGACCTGCCTCTCCATAAAATGGCCATC[C>A]AGGGATTTCATCTCATTGATGCTGATCGCATCTATCAACACCTAAGGGTAAGTATATAAG-3'
Protein context (NP_878918.2, residues 1237-1257): SDLPLHKMAI[Gln1247Lys]GFHLIDADRI

ClinVar aggregate classification (germline): Uncertain significance (1 of 4 stars; one submission).

Conditions:
Emery-Dreifuss muscular dystrophy 5, autosomal dominant (EDMD5). Also called: EMERY-DREIFUSS MUSCULAR DYSTROPHY 5. Identifiers: Orphanet 261, MedGen C2751805, MONDO:0013072, OMIM 612999.

Submission:

Labcorp Genetics (formerly Invitae), Labcorp
Classification: Uncertain significance for Emery-Dreifuss muscular dystrophy 5, autosomal dominant. Last evaluated: 2022-11-15. Review status: criteria provided, single submitter. Criteria: Invitae Variant Classification Sherloc (09022015). Collection method: clinical testing. Allele origin: germline.
Comment: This variant is not present in population databases (gnomAD no frequency). This sequence change replaces glutamine, which is neutral and polar, with lysine, which is basic and polar, at codon 1247 of the SYNE2 protein (p.Gln1247Lys). This variant has not been reported in the literature in individuals affected with SYNE2-related conditions. ClinVar contains an entry for this variant (Variation ID: 645468). Algorithms developed to predict the effect of missense changes on protein structure and function are either unavailable or do not agree on the potential impact of this missense change (SIFT: "Deleterious"; PolyPhen-2: "Benign"; Align-GVGD: "Class C0"). In summary, the available evidence is currently insufficient to determine the role of this variant in disease. Therefore, it has been classified as a Variant of Uncertain Significance.